The following is an entry in ClinVar:

NM_001170629.2(CHD8):c.2391G>T (p.Lys797Asn)

Gene: CHD8 (chromodomain helicase DNA binding protein 8; minus strand). Cytogenetic location: 14q11.2.
Variant type: single nucleotide variant.
Coding change: c.2391G>T on transcript NM_001170629.2 (MANE Select); coding-DNA position 2391, G replaced by T.
Protein change: p.Lys797Asn; replaces lysine 797 with asparagine.
Molecular consequence: missense variant.
Genome position (GRCh38, 1-based): chr14:21,408,799, C>A on the plus strand (G>T on the coding strand, the complement: CHD8 is on the minus strand). VCF-style: chr14-21408799-C-A. GRCh37 (hg19) VCF-style: chr14-21876958-C-A.
Other names: c.1554G>T, p.Lys518Asn (NM_020920.4); short protein forms K518N, K797N.
Identifiers: ClinVar variation 4882969 (VCV004882969.2).

ClinVar aggregate classification (germline): Uncertain significance (1 of 4 stars; one submission).

Submission:

Dasa
Classification: Uncertain significance. Last evaluated: 2025-07-05. Review status: criteria provided, single submitter. Criteria: DASA Assertion Criteria. Collection method: clinical testing. Allele origin: germline.
Comment: NM_001170629.2(CHD8):c.2391G>T (p.Lys797Asn) is a missense variant that results in the substitution of lysine with asparagine. This variant is absent from population databases. Computational prediction algorithms are consistent with a benign effect. The currently available literature and clinical evidence are not sufficient to establish a definitive association between this variant and the reported condition. Therefore, this variant is classified as a variant of uncertain significance.